The following is an entry in ClinVar:

NM_152641.4(ARID2):c.437A>G (p.Tyr146Cys)

Gene: ARID2 (AT-rich interaction domain 2; plus strand). Cytogenetic location: 12q12.
Variant type: single nucleotide variant.
Coding change: c.437A>G on transcript NM_152641.4 (MANE Select); coding-DNA position 437, A replaced by G.
Protein change: p.Tyr146Cys; replaces tyrosine 146 with cysteine.
Molecular consequence: missense variant.
Genome position (GRCh38, 1-based): chr12:45,817,688, A>G. VCF-style: chr12-45817688-A-G. GRCh37 (hg19) VCF-style: chr12-46211471-A-G.
Other names: c.437A>G, p.Tyr146Cys (NM_001347839.2); short protein forms Y146C.
Identifiers: ClinVar variation 4687245 (VCV004687245.1).

ClinVar aggregate classification (germline): Uncertain significance (1 of 4 stars; one submission).

gnomAD v4.1: 3 of 1,609,484 alleles (0.00019%); highest among the groups gnomAD compares: African/African-American, 0.004%; no homozygotes.

Submission:

Women's Health and Genetics/Laboratory Corporation of America, LabCorp
Classification: Uncertain significance. Last evaluated: 2025-10-16. Review status: criteria provided, single submitter. Criteria: LabCorp Variant Classification Summary - May 2015. Collection method: clinical testing. Allele origin: germline.
Comment: Variant summary: ARID2 c.437A>G (p.Tyr146Cys) results in a non-conservative amino acid change in the encoded protein sequence. Algorithms developed to predict the effect of missense changes on protein structure and function are either unavailable or do not agree on the potential impact of this missense change. The variant allele was found at a frequency of 4e-06 in 249906 control chromosomes. The available data on variant occurrences in the general population are insufficient to allow any conclusion about variant significance. To our knowledge, no occurrence of c.437A>G in individuals affected with ARID2-related conditions and no experimental evidence demonstrating its impact on protein function have been reported. No submitters have cited clinical-significance assessments for this variant to ClinVar. Based on the evidence outlined above, the variant was classified as uncertain significance.